The following is an entry in ClinVar:

ClinVar aggregate classification (germline): Likely pathogenic (1 of 4 stars; one submission).

Conditions:
Dilated cardiomyopathy 1G (CMD1G). Identifiers: Orphanet 154, MedGen C1858763, MONDO:0011400, OMIM 604145.
Autosomal recessive limb-girdle muscular dystrophy type 2J (LGMDR10). Also called: Limb-girdle muscular dystrophy, type 2J; MUSCULAR DYSTROPHY, LIMB-GIRDLE, AUTOSOMAL RECESSIVE 10. Identifiers: Orphanet 140922, MedGen C1837342, MONDO:0012127, OMIM 608807.

Submission:

Labcorp Genetics (formerly Invitae), Labcorp
Classification: Likely pathogenic for Dilated cardiomyopathy 1G; Autosomal recessive limb-girdle muscular dystrophy type 2J. Last evaluated: 2025-10-02. Review status: criteria provided, single submitter. Criteria: Invitae Variant Classification Sherloc (09022015). Collection method: clinical testing. Allele origin: germline.
Comment: This sequence change creates a premature translational stop signal (p.Glu5828*) in the TTN gene. While this is not anticipated to result in nonsense mediated decay, it is expected to create a truncated TTN protein. This variant is not present in population databases (gnomAD no frequency). This variant has not been reported in the literature in individuals affected with TTN-related conditions. ClinVar contains an entry for this variant (Variation ID: 2939902). This variant is located in the I band of TTN (PMID: 25589632). Truncating variants in this region have been reported in individuals affected with autosomal recessive centronuclear myopathy (PMID: 23975875, internal data). Truncating variants in this region have also been identified in individuals affected with autosomal dominant dilated cardiomyopathy and/or cardio-related conditions (PMID: 27869827, 32964742, internal data). In summary, the currently available evidence indicates that the variant is pathogenic, but additional data are needed to prove that conclusively. Therefore, this variant has been classified as Likely Pathogenic.

Literature cited by the submitters: PubMed 25589632; PubMed 23975875; PubMed 27869827; PubMed 32964742.

NM_001267550.2(TTN):c.17482G>T (p.Glu5828Ter)

Genes: TTN (titin; minus strand), LOC126806431 (CDK7 strongly-dependent group 2 enhancer GRCh37_chr2:179595719-179596918; plus strand). Cytogenetic location: 2q31.2.
Variant type: single nucleotide variant.
Coding change: c.17482G>T on transcript NM_001267550.2 (MANE Select); coding-DNA position 17482, G replaced by T.
Protein change: p.Glu5828Ter; replaces glutamic acid 5828 with a stop codon.
Molecular consequence: nonsense. On other transcripts: intron variant (3).
Genome position (GRCh38, 1-based): chr2:178,731,183, C>A on the plus strand (G>T on the coding strand, the complement: TTN is on the minus strand). VCF-style: chr2-178731183-C-A. GRCh37 (hg19) VCF-style: chr2-179595910-C-A.
Other names: c.16531G>T, p.Glu5511Ter (NM_001256850.1); c.13750G>T, p.Glu4584Ter (NM_133378.4); c.13282+6899G>T (NM_003319.4); c.13858+6899G>T (NM_133437.4); c.13657+6899G>T (NM_133432.3); short protein forms E5511*, E5828*, E4584*.
Identifiers: ClinVar variation 2939902 (VCV002939902.3), dbSNP rs2080414407, ClinGen allele CA349572444.